The following is an entry in ClinVar:

NM_001303457.2(TTI1):c.1800C>T (p.His600=)

Gene: TTI1 (TELO2 interacting protein 1; minus strand). Cytogenetic location: 20q11.23.
Variant type: single nucleotide variant.
Coding change: c.1800C>T on transcript NM_001303457.2 (MANE Select); coding-DNA position 1800, C replaced by T.
Protein change: p.His600=; no amino-acid change (histidine 600 retained).
Molecular consequence: synonymous variant.
Genome position (GRCh38, 1-based): chr20:38,012,017, G>A on the plus strand (C>T on the coding strand, the complement: TTI1 is on the minus strand). VCF-style: chr20-38012017-G-A. GRCh37 (hg19) VCF-style: chr20-36640419-G-A.
Other names: c.1800C>T, p.His600= (NM_014657.3).
Identifiers: ClinVar variation 3898097 (VCV003898097.7).

ClinVar aggregate classification (germline): Likely benign (1 of 4 stars; one submission).

gnomAD v4.1: 6,801 of 1,614,254 alleles (0.42%); highest among the groups gnomAD compares: Middle Eastern, 0.84%; 17 homozygotes.

Submission:

CeGaT Center for Human Genetics Tuebingen
Classification: Likely benign. Last evaluated: 2026-07-01. Review status: criteria provided, single submitter. Criteria: CeGaT Center For Human Genetics Tuebingen Variant Classification Criteria Version 2. Collection method: clinical testing. Allele origin: germline. Affected: yes. Observed: 6 variant alleles.
Comment: TTI1: BP4, BS2